The following is an entry in ClinVar:

NM_001142800.2(EYS):c.8477T>C (p.Val2826Ala)

Genes: EYS (eyes shut homolog; minus strand), PHF3 (PHD finger protein 3; plus strand). Cytogenetic location: 6q12.
Variant type: single nucleotide variant.
Coding change: c.8477T>C on transcript NM_001142800.2 (MANE Select); coding-DNA position 8477, T replaced by C.
Protein change: p.Val2826Ala; replaces valine 2826 with alanine.
Molecular consequence: missense variant. On other transcripts: 3 prime UTR variant (5).
Genome position (GRCh38, 1-based): chr6:63,721,554, A>G on the plus strand (T>C on the coding strand, the complement: EYS is on the minus strand). VCF-style: chr6-63721554-A-G. GRCh37 (hg19) VCF-style: chr6-64431450-A-G.
Other names: c.*7846A>G (NM_001290259.2, NM_001370348.2, NM_001370349.2 and 2 more transcripts); c.8540T>C, p.Val2847Ala (NM_001292009.2); short protein forms V2847A, V2826A.
Identifiers: ClinVar variation 2176655 (VCV002176655.1), dbSNP rs1024731403, ClinGen allele CA140236851.
Genomic context (GRCh38, chr6:63,721,554, plus strand): 5'-CCTTGAAAACCTACAGGTTCATTTTCTATTGCCATGGGATTTACAAGATTTAAAGAAGAT[A>G]CTCCTCCAATATAGAAGTCTGTATTTGTGTCCAGAGAACTCATTTTAGTGGAGGCCTTTT-3'
Protein context (NP_001136272.1, residues 2816-2836): DTNTDFYIGG[Val2826Ala]SSLNLVNPMA

ClinVar aggregate classification (germline): Uncertain significance (1 of 4 stars; one submission).

Allele frequency attached by ClinVar (database versions not stated): gnomAD 0.00001; gnomAD exomes 0.00003; TOPMed 0.00003.
gnomAD v4.1: 49 of 1,551,542 alleles (0.0032%); highest among the groups gnomAD compares: Non-Finnish European, 0.0039%; no homozygotes.

Submission:

Labcorp Genetics (formerly Invitae), Labcorp
Classification: Uncertain significance. Last evaluated: 2022-04-04. Review status: criteria provided, single submitter. Criteria: Invitae Variant Classification Sherloc (09022015). Collection method: clinical testing. Allele origin: germline.
Comment: This sequence change replaces valine, which is neutral and non-polar, with alanine, which is neutral and non-polar, at codon 2826 of the EYS protein (p.Val2826Ala). This variant is present in population databases (no rsID available, gnomAD 0.007%). This variant has not been reported in the literature in individuals affected with EYS-related conditions. Algorithms developed to predict the effect of missense changes on protein structure and function are either unavailable or do not agree on the potential impact of this missense change (SIFT: "Deleterious"; PolyPhen-2: "Possibly Damaging"; Align-GVGD: "Class C0"). In summary, the available evidence is currently insufficient to determine the role of this variant in disease. Therefore, it has been classified as a Variant of Uncertain Significance.